The following is an entry in ClinVar:

NM_001267550.2(TTN):c.7391_7393dup (p.Leu2464_Glu2465insVal)

Genes: TTN (titin; minus strand), LOC126806433 (BRD4-independent group 4 enhancer GRCh37_chr2:179638309-179639508; plus strand). Cytogenetic location: 2q31.2.
Variant type: Duplication.
Coding change: c.7391_7393dup on transcript NM_001267550.2 (MANE Select); coding-DNA positions 7391 to 7393, 3 bases duplicated (TTG; older notation c.7391_7393dupTTG).
Protein change: p.Leu2464_Glu2465insVal.
Molecular consequence: inframe insertion.
Genome position (GRCh38, 1-based): chr2:178,773,663-178,773,665, CAA duplicated on the plus strand (TTG on the coding strand, the reverse complement: TTN is on the minus strand). VCF-style (leftmost placement, unchanged base first): chr2-178773662-T-TCAA. GRCh37 (hg19) VCF-style: chr2-179638389-T-TCAA.
Other names: c.7391_7393dupTTG (NM_001256850.1); c.7391_7393dup, p.Leu2464_Glu2465insVal (NM_001256850.1, NM_133378.4, NM_133379.5); c.7253_7255dup, p.Leu2418_Glu2419insVal (NM_003319.4, NM_133432.3, NM_133437.4).
Identifiers: ClinVar variation 202503 (VCV000202503.1), dbSNP rs794729371, ClinGen allele CA309467.

ClinVar aggregate classification (germline): Uncertain significance (1 of 4 stars; one submission).

Submission:

GeneDx
Classification: Uncertain significance. Last evaluated: 2012-11-09. Review status: criteria provided, single submitter. Criteria: GeneDx Variant Classification (06012015). Collection method: clinical testing. Allele origin: germline. Affected: yes.
Comment: p.Leu2464_Glu2465insVal (L2464_E2465insV). Research indicates that truncating mutations in the TTN gene are expected to account for approximately 25% of familial and 18% of sporadic idiopathic DCM; however, truncating variants in the TTN gene have been reported in approximately 3% of reported control alleles. There has been little investigation into non-truncating variants. (Herman D et al. Truncations of titin causing dilated cardiomyopathy. N Eng J Med 366:619-628, 2012). The variant is found in DCM panel(s).